The following is an entry in ClinVar:

NM_017780.4(CHD7):c.5405-8C>T

Gene: CHD7 (chromodomain helicase DNA binding protein 7; plus strand). Cytogenetic location: 8q12.2.
Variant type: single nucleotide variant.
Coding change: c.5405-8C>T on transcript NM_017780.4 (MANE Select); 8 bases into the intron before coding-DNA position 5405, C replaced by T.
Molecular consequence: intron variant.
Genome position (GRCh38, 1-based): chr8:60,850,485, C>T. VCF-style: chr8-60850485-C-T. GRCh37 (hg19) VCF-style: chr8-61763044-C-T.
Other names: c.1717-11744C>T (NM_001316690.1); c.5405-8C>T (NM_017780.3).
Identifiers: ClinVar variation 1135620 (VCV001135620.17), dbSNP rs755505152, ClinGen allele CA4760366.

ClinVar aggregate classification (germline): Likely benign. Review status: criteria provided, multiple submitters, no conflicts (2 of 4 stars). 6 submissions from 6 submitters: Likely benign (5). 1 of the submissions does not count toward it. Last evaluated 2026-06-01.

Conditions:
CHARGE syndrome (CHARGE). Also called: Hittner Hirsch Kreh syndrome; CHARGE ASSOCIATION--COLOBOMA, HEART ANOMALY, CHOANAL ATRESIA, RETARDATION, GENITAL AND EAR ANOMALIES; Coloboma, heart anomaly, choanal atresia, retardation, genital and ear anomalies; CHARGE association; Hall-Hittner syndrome. Identifiers: Orphanet 138, MedGen C0265354, MONDO:0008965.
CHD7-related disorder. Also called: CHD7-related condition.

Allele frequency attached by ClinVar (database versions not stated): ExAC 0.00003; gnomAD 0.00003 and 0.00004; gnomAD exomes 0.00003 and 0.00005; TOPMed 0.00005.
gnomAD v4.1: 51 of 1,601,710 alleles (0.0032%); highest among the groups gnomAD compares: East Asian, 0.031%; no homozygotes.

Submissions (6):

CeGaT Center for Human Genetics Tuebingen
Classification: Likely benign. Last evaluated: 2026-06-01. Review status: criteria provided, single submitter. Criteria: CeGaT Center For Human Genetics Tuebingen Variant Classification Criteria Version 2. Collection method: clinical testing. Allele origin: germline. Affected: yes. Observed: 1 variant allele.
Comment: CHD7: BP4

Women's Health and Genetics/Laboratory Corporation of America, LabCorp
Classification: Likely benign. Last evaluated: 2026-02-24. Review status: criteria provided, single submitter. Criteria: LabCorp Variant Classification Summary - May 2015. Collection method: clinical testing. Allele origin: germline.

Labcorp Genetics (formerly Invitae), Labcorp
Classification: Likely benign for CHARGE syndrome. Last evaluated: 2025-12-15. Review status: criteria provided, single submitter. Criteria: Invitae Variant Classification Sherloc (09022015). Collection method: clinical testing. Allele origin: germline.

Blueprint Genetics
Classification: Likely benign. Last evaluated: 2021-03-04. Review status: criteria provided, single submitter. Criteria: ACMG Guidelines, 2015. Collection method: clinical testing. Allele origin: germline.

GeneDx
Classification: Likely benign. Last evaluated: 2019-08-23. Review status: criteria provided, single submitter. Criteria: GeneDx Variant Classification Process June 2021. Collection method: clinical testing. Allele origin: germline. Affected: yes.

PreventionGenetics, part of Exact Sciences
Classification: Likely benign for CHD7-related condition. Last evaluated: 2023-10-23. Review status: no assertion criteria provided. Collection method: clinical testing. Allele origin: germline. Not counted in ClinVar's aggregate classification.
Comment: This variant is classified as likely benign based on ACMG/AMP sequence variant interpretation guidelines (Richards et al. 2015 PMID: 25741868, with internal and published modifications).